The following is an entry in ClinVar:

ClinVar aggregate classification (germline): Uncertain significance (1 of 4 stars; one submission).

Conditions:
Hereditary breast ovarian cancer syndrome. Also called: Hereditary breast and ovarian cancer syndrome; Hereditary breast and ovarian cancer syndrome (HBOC); BRCA1- and BRCA2-Associated Hereditary Breast and Ovarian Cancer; Hereditary breast and ovarian cancer; Hereditary breast and/or ovarian cancer syndrome; Breast and ovarian cancer. Identifiers: Orphanet 145, MedGen C0677776, MeSH D061325, MONDO:0003582. Disease mechanism: loss of function.

Submission:

Labcorp Genetics (formerly Invitae), Labcorp
Classification: Uncertain significance for Hereditary breast ovarian cancer syndrome. Last evaluated: 2023-12-09. Review status: criteria provided, single submitter. Criteria: Invitae Variant Classification Sherloc (09022015). Collection method: clinical testing. Allele origin: germline.
Comment: This variant, c.3792_3794del, results in the deletion of 1 amino acid(s) of the BRCA1 protein (p.Lys1264del), but otherwise preserves the integrity of the reading frame. This variant is not present in population databases (gnomAD no frequency). This variant has not been reported in the literature in individuals affected with BRCA1-related conditions. Experimental studies and prediction algorithms are not available or were not evaluated, and the functional significance of this variant is currently unknown. In summary, the available evidence is currently insufficient to determine the role of this variant in disease. Therefore, it has been classified as a Variant of Uncertain Significance.

NM_007294.4(BRCA1):c.3789GAA[1] (p.Lys1264del)

Genes: BRCA1 (BRCA1 DNA repair associated; minus strand), LOC126862571 (BRD4-independent group 4 enhancer GRCh37_chr17:41243136-41244335; plus strand). Cytogenetic location: 17q21.31.
Variant type: Microsatellite.
Coding change: c.3789GAA[1] on transcript NM_007294.4 (MANE Select); one copy of the 3-base unit GAA starting at c.3789; the reference has two copies in a row; one copy, 3 bases deleted.
Protein change: p.Lys1264del; deletes lysine 1264.
Molecular consequence: inframe deletion. On other transcripts: intron variant (135).
Genome position (GRCh38, 1-based): chr17:43,091,737-43,091,739, TTC deleted on the plus strand (GAA on the coding strand, the reverse complement: BRCA1 is on the minus strand); deleting any 3 consecutive bases within chr17:43,091,737-43,091,742 gives the same sequence; the position shown is the placement nearest the transcript's 3' end. VCF-style (leftmost placement, unchanged base first): chr17-43091736-ATTC-A. GRCh37 (hg19) VCF-style: chr17-41243753-ATTC-A.
Other names: c.662-707_662-705del (NM_001408446.1, NM_001408435.1, NM_001408448.1 and 6 more transcripts); c.785-707_785-705del (NM_001408401.1, NM_001408396.1, NM_001407985.1 and 13 more transcripts); c.548-707_548-705del (NM_001408494.1); c.665-707_665-705del (NM_001408444.1, NM_001408438.1, NM_001408430.1 and 12 more transcripts); c.461-707_461-705del (NM_001408507.1, NM_001408506.1); c.545-707_545-705del (NM_001408495.1); c.668-707_668-705del (NM_001408421.1, NM_001408431.1, NM_001408424.1); c.788-707_788-705del (NM_001407990.1, NM_007299.4, NM_001407974.1 and 17 more transcripts); and 41 more; short protein forms K1217del, K1264del, K1194del, K1196del, K1261del, K1263del, K968del, K1136del.
Identifiers: ClinVar variation 1039866 (VCV001039866.18), dbSNP rs2053521870, ClinGen allele CA2260782215.